The following is an entry in ClinVar:

NM_000540.3(RYR1):c.11706A>G (p.Leu3902=)

Gene: RYR1 (ryanodine receptor 1; plus strand). Cytogenetic location: 19q13.2.
Variant type: single nucleotide variant.
Coding change: c.11706A>G on transcript NM_000540.3 (MANE Select); coding-DNA position 11706, A replaced by G.
Protein change: p.Leu3902=; no amino-acid change (leucine 3902 retained).
Molecular consequence: synonymous variant.
Genome position (GRCh38, 1-based): chr19:38,543,363, A>G. VCF-style: chr19-38543363-A-G. GRCh37 (hg19) VCF-style: chr19-39034003-A-G.
Other names: c.11691A>G, p.Leu3897= (NM_001042723.2).
Identifiers: ClinVar variation 892622 (VCV000892622.10), dbSNP rs776123178, ClinGen allele CA057532.

ClinVar aggregate classification (germline): Conflicting classifications of pathogenicity. Review status: criteria provided, conflicting classifications (1 of 4 stars). 6 submissions from 4 submitters: Uncertain significance (3); Likely benign (3). Last evaluated 2025-05-18.

Conditions:
RYR1-related disorder. Also called: RYR1-related condition; RYR1-related disorders. Identifiers: MedGen CN239331.
Congenital multicore myopathy with external ophthalmoplegia (CMYO1B). Also called: MULTICORE MYOPATHY; Minicore myopathy with external ophthalmoplegia; Congenital myopathy 1B, autosomal recessive; Minicore myopathy; MULTIMINICORE DISEASE WITH EXTERNAL OPHTHALMOPLEGIA. Identifiers: Orphanet 598, Orphanet 98905, MedGen C1850674, MONDO:0009712, OMIM 255320, HP:0003789.
Malignant hyperthermia, susceptibility to, 1 (MHS1). Also called: Anesthesia related hyperthermia; Malignant hyperpyrexia; Fulminating hyperpyrexia; Pharmacogenic myopathy; RYR1-Related Malignant Hyperthermia Susceptibility; Malignant hyperthermia suceptibility 1. Identifiers: Orphanet 423, MedGen C2930980, MONDO:0007783, OMIM 145600.
Central core myopathy (CMYO1A). Also called: CONGENITAL MYOPATHY 1A, AUTOSOMAL DOMINANT, WITH SUSCEPTIBILITY TO MALIGNANT HYPERTHERMIA; Central core disease; Myopathy, central fibrillar. Identifiers: Orphanet 597, MedGen C5830701, MONDO:0007294, OMIM 117000.

Allele frequency attached by ClinVar (database versions not stated): gnomAD exomes below 0.00001 and 0.00002; ExAC 0.00001; gnomAD 0.00001; TOPMed 0.00001.
gnomAD v4.1: 30 of 1,614,074 alleles (0.0019%); highest among the groups gnomAD compares: Non-Finnish European, 0.0025%; no homozygotes.

Submissions (6):

Labcorp Genetics (formerly Invitae), Labcorp
Classification: Likely benign for RYR1-related disorder. Last evaluated: 2025-05-18. Review status: criteria provided, single submitter. Criteria: Invitae Variant Classification Sherloc (09022015). Collection method: clinical testing. Allele origin: germline.

All of Us Research Program, National Institutes of Health
Classification: Likely benign for Malignant hyperthermia, susceptibility to, 1. Last evaluated: 2024-04-25. Review status: criteria provided, single submitter. Criteria: ACMG Guidelines, 2015. Collection method: clinical testing. Allele origin: germline. Inheritance: Autosomal dominant inheritance. Observed: 2 variant alleles, 2 heterozygotes.
Comment: This study involves interpretation of variants in research participants for the purpose of population health screening. Participant phenotype was not available at the time of variant classification. Additional details can be found in publication PMID: 35346344, PMCID: PMC8962531

Color Diagnostics, LLC DBA Color Health
Classification: Likely benign for Malignant hyperthermia, susceptibility to, 1. Last evaluated: 2022-11-06. Review status: criteria provided, single submitter. Criteria: ACMG Guidelines, 2015. Collection method: clinical testing. Allele origin: germline.

Illumina Laboratory Services, Illumina
Classification: Uncertain significance for Central core myopathy. Last evaluated: 2018-01-12. Review status: criteria provided, single submitter. Criteria: ICSL Variant Classification Criteria 13 December 2019. Collection method: clinical testing. Allele origin: germline.

Illumina Laboratory Services, Illumina
Classification: Uncertain significance for Malignant hyperthermia, susceptibility to, 1. Last evaluated: 2018-01-12. Review status: criteria provided, single submitter. Criteria: ICSL Variant Classification Criteria 13 December 2019. Collection method: clinical testing. Allele origin: germline.

Illumina Laboratory Services, Illumina
Classification: Uncertain significance for Congenital multicore myopathy with external ophthalmoplegia. Last evaluated: 2018-01-12. Review status: criteria provided, single submitter. Criteria: ICSL Variant Classification Criteria 13 December 2019. Collection method: clinical testing. Allele origin: germline.